The following is an entry in ClinVar:

ClinVar aggregate classification (germline): Pathogenic/Likely pathogenic. Review status: criteria provided, multiple submitters, no conflicts (2 of 4 stars). 2 submissions from 2 submitters: Pathogenic (1); Likely pathogenic (1). Last evaluated 2024-04-04.

Conditions:
Bardet-Biedl syndrome (BBS). Identifiers: Orphanet 110, MedGen C0752166, MONDO:0015229.
Bardet-Biedl syndrome 12 (BBS12). Identifiers: Orphanet 110, MedGen C1859570, MONDO:0014440, OMIM 615989.

Submissions (2):

Fulgent Genetics
Classification: Likely pathogenic for Bardet-Biedl syndrome 12. Last evaluated: 2024-04-04. Review status: criteria provided, single submitter. Criteria: ACMG Guidelines, 2015. Collection method: clinical testing. Allele origin: germline.

Labcorp Genetics (formerly Invitae), Labcorp
Classification: Pathogenic for Bardet-Biedl syndrome. Last evaluated: 2021-09-22. Review status: criteria provided, single submitter. Criteria: Invitae Variant Classification Sherloc (09022015). Collection method: clinical testing. Allele origin: germline.
Comment: For these reasons, this variant has been classified as Pathogenic. This variant disrupts a region of the BBS12 protein in which other variant(s) (p.Asp687Valfs*3) have been determined to be pathogenic (Invitae). This suggests that this is a clinically significant region of the protein, and that variants that disrupt it are likely to be disease-causing. This variant has not been reported in the literature in individuals affected with BBS12-related conditions. This variant is not present in population databases (ExAC no frequency). This sequence change creates a premature translational stop signal (p.Asn485Lysfs*8) in the BBS12 gene. While this is not anticipated to result in nonsense mediated decay, it is expected to disrupt the last 226 amino acid(s) of the BBS12 protein.

NM_152618.3(BBS12):c.1455del (p.Asn485fs)

Gene: BBS12 (Bardet-Biedl syndrome 12; plus strand). Cytogenetic location: 4q27.
Variant type: Deletion.
Coding change: c.1455del on transcript NM_152618.3 (MANE Select); coding-DNA position 1455, one base deleted (C; older notation c.1455delC).
Protein change: p.Asn485fs; shifts the reading frame from asparagine 485.
Molecular consequence: frameshift variant.
Genome position (GRCh38, 1-based): chr4:122,743,347, C deleted. VCF-style (leftmost placement, unchanged base first): chr4-122743346-AC-A. GRCh37 (hg19) VCF-style: chr4-123664501-AC-A.
Other names: c.1455del, p.Asn485fs (NM_001178007.2); short protein forms N485fs.
Identifiers: ClinVar variation 1457852 (VCV001457852.7), dbSNP rs2150737331, ClinGen allele CA2573138029.